The following is an entry in ClinVar:

ClinVar aggregate classification (germline): Uncertain significance. Review status: criteria provided, multiple submitters, no conflicts (2 of 4 stars). 2 submissions from 2 submitters: Uncertain significance (2). Last evaluated 2025-12-11.

Conditions:
Glanzmann thrombasthenia. Also called: BLEEDING DISORDER, PLATELET-TYPE, 2; THROMBASTHENIA OF GLANZMANN AND NAEGELI; Thrombasthenia; Glanzmann's thrombasthenia; PLATELET GLYCOPROTEIN IIb-IIIa DEFICIENCY. Identifiers: Orphanet 849, MedGen C0040015, MONDO:0100326.
Inborn genetic diseases. Identifiers: MedGen C0950123, MeSH D030342.

Allele frequency attached by ClinVar (database versions not stated): gnomAD exomes 0.00001; ESP Exome Variant Server 0.00008; TOPMed 0.00008; gnomAD 0.00009; ExAC 0.00014; 1000 Genomes Project 30x 0.00016; 1000 Genomes Project 0.00020.

Submissions (2):

Labcorp Genetics (formerly Invitae), Labcorp
Classification: Uncertain significance for Glanzmann thrombasthenia. Last evaluated: 2025-12-11. Review status: criteria provided, single submitter. Criteria: Invitae Variant Classification Sherloc (09022015). Collection method: clinical testing. Allele origin: germline.
Comment: This sequence change replaces valine, which is neutral and non-polar, with methionine, which is neutral and non-polar, at codon 748 of the ITGA2B protein (p.Val748Met). This variant is present in population databases (rs139086448, gnomAD 0.05%). This variant has not been reported in the literature in individuals affected with ITGA2B-related conditions. ClinVar contains an entry for this variant (Variation ID: 2849228). An algorithm developed to predict the effect of missense changes on protein structure and function outputs the following: PolyPhen-2: "Possibly Damaging". The methionine amino acid residue is found in multiple mammalian species, which suggests that this missense change does not adversely affect protein function. In summary, the available evidence is currently insufficient to determine the role of this variant in disease. Therefore, it has been classified as a Variant of Uncertain Significance.

Ambry Genetics
Classification: Uncertain significance for Inborn genetic diseases. Last evaluated: 2025-12-02. Review status: criteria provided, single submitter. Criteria: Ambry Variant Classification Scheme 2023. Collection method: clinical testing. Allele origin: germline.

NM_000419.5(ITGA2B):c.2242G>A (p.Val748Met)

Gene: ITGA2B (integrin subunit alpha 2b; minus strand). Cytogenetic location: 17q21.31.
Variant type: single nucleotide variant.
Coding change: c.2242G>A on transcript NM_000419.5 (MANE Select); coding-DNA position 2242, G replaced by A.
Protein change: p.Val748Met; replaces valine 748 with methionine.
Molecular consequence: missense variant.
Genome position (GRCh38, 1-based): chr17:44,377,034, C>T on the plus strand (G>A on the coding strand, the complement: ITGA2B is on the minus strand). VCF-style: chr17-44377034-C-T. GRCh37 (hg19) VCF-style: chr17-42454402-C-T.
Other names: short protein forms V748M.
Identifiers: ClinVar variation 2849228 (VCV002849228.5), dbSNP rs139086448, ClinGen allele CA8602775.